The following is an entry in ClinVar:

NM_173728.4(ARHGEF15):c.1575-3C>T

Gene: ARHGEF15 (Rho guanine nucleotide exchange factor 15; plus strand). Cytogenetic location: 17p13.1.
Variant type: single nucleotide variant.
Coding change: c.1575-3C>T on transcript NM_173728.4 (MANE Select); 3 bases into the intron before coding-DNA position 1575, C replaced by T.
Molecular consequence: intron variant.
Genome position (GRCh38, 1-based): chr17:8,316,016, C>T. VCF-style: chr17-8316016-C-T. GRCh37 (hg19) VCF-style: chr17-8219334-C-T.
Other names: c.1575-3C>T (NM_025014.2).
Identifiers: ClinVar variation 2912908 (VCV002912908.3), dbSNP rs2543940551, ClinGen allele CA2635998899.

ClinVar aggregate classification (germline): Uncertain significance (1 of 4 stars; one submission).

Conditions:
Early-infantile DEE. Also called: Early infantile epileptic encephalopathy; Ohtahara syndrome; Early infantile epileptic encephalopathy with suppression bursts. Identifiers: Orphanet 1934, MedGen C0393706, MONDO:0800491.

Allele frequency attached by ClinVar (database versions not stated): gnomAD exomes below 0.00001.
gnomAD v4.1: 1 of 1,601,594 alleles (0.000062%); highest among the groups gnomAD compares: East Asian, 0.0022%; no homozygotes.

Submission:

Labcorp Genetics (formerly Invitae), Labcorp
Classification: Uncertain significance for Early-infantile DEE. Last evaluated: 2023-12-28. Review status: criteria provided, single submitter. Criteria: Invitae Variant Classification Sherloc (09022015). Collection method: clinical testing. Allele origin: germline.
Comment: This sequence change falls in intron 8 of the ARHGEF15 gene. It does not directly change the encoded amino acid sequence of the ARHGEF15 protein. It affects a nucleotide within the consensus splice site. This variant is not present in population databases (gnomAD no frequency). This variant has not been reported in the literature in individuals affected with ARHGEF15-related conditions. Variants that disrupt the consensus splice site are a relatively common cause of aberrant splicing (PMID: 17576681, 9536098). Algorithms developed to predict the effect of sequence changes on RNA splicing suggest that this variant is not likely to affect RNA splicing. In summary, the available evidence is currently insufficient to determine the role of this variant in disease. Therefore, it has been classified as a Variant of Uncertain Significance.

Literature cited by the submitters: PubMed 17576681; PubMed 9536098.